The following is an entry in ClinVar:

NM_000126.4(ETFA):c.269-8A>G

Gene: ETFA (electron transfer flavoprotein subunit alpha; minus strand). Cytogenetic location: 15q24.2.
Variant type: single nucleotide variant.
Coding change: c.269-8A>G on transcript NM_000126.4 (MANE Select); 8 bases into the intron before coding-DNA position 269, A replaced by G.
Molecular consequence: intron variant.
Genome position (GRCh38, 1-based): chr15:76,292,521, T>C on the plus strand (A>G on the coding strand, the complement: ETFA is on the minus strand). VCF-style: chr15-76292521-T-C. GRCh37 (hg19) VCF-style: chr15-76584862-T-C.
Other names: c.122-8A>G (NM_001127716.2).
Identifiers: ClinVar variation 1466944 (VCV001466944.5), dbSNP rs1440046169, ClinGen allele CA2573151170.

ClinVar aggregate classification (germline): Uncertain significance (1 of 4 stars; one submission).

Conditions:
Multiple acyl-CoA dehydrogenase deficiency (MADD). Also called: Glutaric acidemia type II; GA 2; Glutaric aciduria, type 2; ETHYLMALONIC-ADIPICACIDURIA; GA II; Glutaric Acidemia type 2. Identifiers: Orphanet 26791, MedGen C0268596, MONDO:0009282, OMIM 231680.

Submission:

Labcorp Genetics (formerly Invitae), Labcorp
Classification: Uncertain significance for Multiple acyl-CoA dehydrogenase deficiency. Last evaluated: 2021-12-03. Review status: criteria provided, single submitter. Criteria: Invitae Variant Classification Sherloc (09022015). Collection method: clinical testing. Allele origin: germline.
Comment: This sequence change falls in intron 3 of the ETFA gene. It does not directly change the encoded amino acid sequence of the ETFA protein. This variant is not present in population databases (gnomAD no frequency). This variant has not been reported in the literature in individuals affected with ETFA-related conditions. Algorithms developed to predict the effect of sequence changes on RNA splicing suggest that this variant may disrupt the consensus splice site. In summary, the available evidence is currently insufficient to determine the role of this variant in disease. Therefore, it has been classified as a Variant of Uncertain Significance.